The following is an entry in ClinVar:

NM_017654.4(SAMD9):c.1835A>C (p.Glu612Ala)

Gene: SAMD9 (sterile alpha motif domain containing 9; minus strand). Cytogenetic location: 7q21.2.
Variant type: single nucleotide variant.
Coding change: c.1835A>C on transcript NM_017654.4 (MANE Select); coding-DNA position 1835, A replaced by C.
Protein change: p.Glu612Ala; replaces glutamic acid 612 with alanine.
Molecular consequence: missense variant.
Genome position (GRCh38, 1-based): chr7:93,104,263, T>G on the plus strand (A>C on the coding strand, the complement: SAMD9 is on the minus strand). VCF-style: chr7-93104263-T-G. GRCh37 (hg19) VCF-style: chr7-92733576-T-G.
Other names: c.1835A>C, p.Glu612Ala (NM_001193307.2); short protein forms E612A.
Identifiers: ClinVar variation 4863887 (VCV004863887.1).

ClinVar aggregate classification (germline): Uncertain significance (1 of 4 stars; one submission).

Conditions:
Inborn genetic diseases. Identifiers: MedGen C0950123, MeSH D030342.

Submission:

Ambry Genetics
Classification: Uncertain significance for Inborn genetic diseases. Last evaluated: 2026-06-03. Review status: criteria provided, single submitter. Criteria: Ambry Variant Classification Scheme 2023. Collection method: clinical testing. Allele origin: germline.
Comment: The p.E612A variant (also known as c.1835A>C), located in coding exon 1 of the SAMD9 gene, results from an A to C substitution at nucleotide position 1835. The glutamic acid at codon 612 is replaced by alanine, an amino acid with dissimilar properties. This amino acid position is conserved. In addition, this alteration is predicted to be tolerated by in silico analysis. Based on the available evidence, the clinical significance of this variant remains unclear.